The following is an entry in ClinVar:

ClinVar aggregate classification (germline): Uncertain significance (1 of 4 stars; one submission).

Submission:

CeGaT Center for Human Genetics Tuebingen
Classification: Uncertain significance. Last evaluated: 2026-08-01. Review status: criteria provided, single submitter. Criteria: CeGaT Center For Human Genetics Tuebingen Variant Classification Criteria Version 2. Collection method: clinical testing. Allele origin: germline. Affected: yes. Observed: 1 variant allele.
Comment: CSF1R: PM2, BP4

NM_001288705.3(CSF1R):c.1508C>A (p.Ala503Glu)

Gene: CSF1R (colony stimulating factor 1 receptor; minus strand). Cytogenetic location: 5q32.
Variant type: single nucleotide variant.
Coding change: c.1508C>A on transcript NM_001288705.3 (MANE Select); coding-DNA position 1508, C replaced by A.
Protein change: p.Ala503Glu; replaces alanine 503 with glutamic acid.
Molecular consequence: missense variant. On other transcripts: non-coding transcript variant (2).
Genome position (GRCh38, 1-based): chr5:150,069,875, G>T on the plus strand (C>A on the coding strand, the complement: CSF1R is on the minus strand). VCF-style: chr5-150069875-G-T. GRCh37 (hg19) VCF-style: chr5-149449438-G-T.
Other names: c.1508C>A, p.Ala503Glu (NM_001349736.2, NM_001375320.1, NM_005211.4); c.1064C>A, p.Ala355Glu (NM_001375321.1); short protein forms A355E, A503E.
Identifiers: ClinVar variation 5038555 (VCV005038555.1).